The following is an entry in ClinVar:

NM_001367561.1(DOCK7):c.2654G>T (p.Arg885Ile)

Gene: DOCK7 (dedicator of cytokinesis 7; minus strand). Cytogenetic location: 1p31.3.
Variant type: single nucleotide variant.
Coding change: c.2654G>T on transcript NM_001367561.1 (MANE Select); coding-DNA position 2654, G replaced by T.
Protein change: p.Arg885Ile; replaces arginine 885 with isoleucine.
Molecular consequence: missense variant.
Genome position (GRCh38, 1-based): chr1:62,552,844, C>A on the plus strand (G>T on the coding strand, the complement: DOCK7 is on the minus strand). VCF-style: chr1-62552844-C-A. GRCh37 (hg19) VCF-style: chr1-63018515-C-A.
Other names: c.2654G>T, p.Arg885Ile (NM_001271999.2, NM_001272000.2, NM_001272001.2 and 2 more transcripts); short protein forms R885I.
Identifiers: ClinVar variation 1032723 (VCV001032723.7), dbSNP rs1645953907, ClinGen allele CA340620646.

ClinVar aggregate classification (germline): Uncertain significance. Review status: criteria provided, multiple submitters, no conflicts (2 of 4 stars). 3 submissions from 3 submitters: Uncertain significance (3). Last evaluated 2023-04-11.

Conditions:
Developmental and epileptic encephalopathy, 23 (DEE23). Also called: Epileptic encephalopathy, early infantile, 23. Identifiers: Orphanet 411986, MedGen C4014492, MONDO:0014371, OMIM 615859.

Submissions (3):

Genome-Nilou Lab
Classification: Uncertain significance for Developmental and epileptic encephalopathy, 23. Last evaluated: 2023-04-11. Review status: criteria provided, single submitter. Criteria: ACMG Guidelines, 2015. Collection method: clinical testing. Allele origin: germline. Affected: no.

Labcorp Genetics (formerly Invitae), Labcorp
Classification: Uncertain significance for Developmental and epileptic encephalopathy, 23. Last evaluated: 2022-03-26. Review status: criteria provided, single submitter. Criteria: Invitae Variant Classification Sherloc (09022015). Collection method: clinical testing. Allele origin: germline.
Comment: ClinVar contains an entry for this variant (Variation ID: 1032723). In summary, the available evidence is currently insufficient to determine the role of this variant in disease. Therefore, it has been classified as a Variant of Uncertain Significance. Algorithms developed to predict the effect of missense changes on protein structure and function are either unavailable or do not agree on the potential impact of this missense change (SIFT: "Deleterious"; PolyPhen-2: "Benign"; Align-GVGD: "Class C0"). This variant has not been reported in the literature in individuals affected with DOCK7-related conditions. This variant is not present in population databases (gnomAD no frequency). This sequence change replaces arginine, which is basic and polar, with isoleucine, which is neutral and non-polar, at codon 885 of the DOCK7 protein (p.Arg885Ile).

Baylor Genetics
Classification: Uncertain significance for Developmental and epileptic encephalopathy, 23. Last evaluated: 2018-10-19. Review status: criteria provided, single submitter. Criteria: ACMG Guidelines, 2015. Collection method: clinical testing. Allele origin: maternal. Affected: yes.
Comment: This variant was determined to be of uncertain significance according to ACMG Guidelines, 2015 [PMID:25741868].